The following is an entry in ClinVar:

NM_004100.5(EYA4):c.1648A>G (p.Thr550Ala)

Genes: EYA4 (EYA transcriptional coactivator and phosphatase 4; plus strand), TARID (TCF21 antisense RNA inducing promoter demethylation; minus strand). Cytogenetic location: 6q23.2.
Variant type: single nucleotide variant.
Coding change: c.1648A>G on transcript NM_004100.5 (MANE Select); coding-DNA position 1648, A replaced by G.
Protein change: p.Thr550Ala; replaces threonine 550 with alanine.
Molecular consequence: missense variant.
Genome position (GRCh38, 1-based): chr6:133,523,087, A>G. VCF-style: chr6-133523087-A-G. GRCh37 (hg19) VCF-style: chr6-133844225-A-G.
Other names: c.1486A>G, p.Thr496Ala (NM_001301012.2); c.1666A>G, p.Thr556Ala (NM_001301013.2); c.1579A>G, p.Thr527Ala (NM_001370458.1, NM_172103.4); c.1504A>G, p.Thr502Ala (NM_001370459.1); c.1648A>G, p.Thr550Ala (NM_172105.4); c.1648A>G (NM_004100.4); short protein forms T527A, T556A, T502A, T550A, T496A.
Identifiers: ClinVar variation 2748577 (VCV002748577.4), dbSNP rs1800327467, ClinGen allele CA365698469.
Genomic context (GRCh38, chr6:133,523,087, plus strand): 5'-CAAACATGTATATTTCCTCCCTATTTTAGGAGTAACTGCATAAATGTCTTGGTAACGACA[A>G]CTCAACTGATCCCAGCACTTGCGAAGGTTCTACTCTATAGTTTAGGAGGTGCTTTCCCCA-3'
Protein context (NP_004091.3, residues 540-560): SNCINVLVTT[Thr550Ala]QLIPALAKVL

ClinVar aggregate classification (germline): Uncertain significance. Review status: criteria provided, multiple submitters, no conflicts (2 of 4 stars). 2 submissions from 2 submitters: Uncertain significance (2). Last evaluated 2026-08-24.

Conditions:
Dilated cardiomyopathy 1J (CMD1J). Also called: CARDIOMYOPATHY, DILATED, WITH SENSORINEURAL HEARING LOSS, AUTOSOMAL DOMINANT. Identifiers: Orphanet 217622, MedGen C1854368, MONDO:0011541, OMIM 605362.
Cardiovascular phenotype. Identifiers: MedGen CN230736.

Allele frequency attached by ClinVar (database versions not stated): gnomAD exomes below 0.00001; TOPMed 0.00001.
gnomAD v4.1: 4 of 1,612,498 alleles (0.00025%); highest among the groups gnomAD compares: Non-Finnish European, 0.00025%; no homozygotes.

Submissions (2):

Ambry Genetics
Classification: Uncertain significance for Cardiovascular phenotype. Last evaluated: 2026-08-24. Review status: criteria provided, single submitter. Criteria: Ambry Variant Classification Scheme 2023. Collection method: clinical testing. Allele origin: germline.
Comment: The p.T550A variant (also known as c.1648A>G), located in coding exon 17 of the EYA4 gene, results from an A to G substitution at nucleotide position 1648. The threonine at codon 550 is replaced by alanine, an amino acid with similar properties. This amino acid position is conserved. In addition, this alteration is predicted to be deleterious by in silico analysis. Based on the available evidence, the clinical significance of this variant remains unclear.

Labcorp Genetics (formerly Invitae), Labcorp
Classification: Uncertain significance for Dilated cardiomyopathy 1J. Last evaluated: 2023-06-14. Review status: criteria provided, single submitter. Criteria: Invitae Variant Classification Sherloc (09022015). Collection method: clinical testing. Allele origin: germline.
Comment: This sequence change replaces threonine, which is neutral and polar, with alanine, which is neutral and non-polar, at codon 550 of the EYA4 protein (p.Thr550Ala). This variant is not present in population databases (gnomAD no frequency). This variant has not been reported in the literature in individuals affected with EYA4-related conditions. Advanced modeling of protein sequence and biophysical properties (such as structural, functional, and spatial information, amino acid conservation, physicochemical variation, residue mobility, and thermodynamic stability) performed at Invitae indicates that this missense variant is expected to disrupt EYA4 protein function. In summary, the available evidence is currently insufficient to determine the role of this variant in disease. Therefore, it has been classified as a Variant of Uncertain Significance.